The following is an entry in ClinVar:

ClinVar aggregate classification (germline): Uncertain significance. Review status: criteria provided, multiple submitters, no conflicts (2 of 4 stars). 2 submissions from 2 submitters: Uncertain significance (2). Last evaluated 2025-02-24.

Conditions:
Lethal multiple pterygium syndrome (LMPS). Identifiers: Orphanet 33108, MedGen C1854678, MONDO:0009668, OMIM 253290.

Submissions (2):

GeneDx
Classification: Uncertain significance. Last evaluated: 2025-02-24. Review status: criteria provided, single submitter. Criteria: GeneDx Variant Classification Process June 2021. Collection method: clinical testing. Allele origin: germline. Affected: yes.
Comment: Has not been previously reported in peer-reviewed literature as pathogenic or benign to our knowledge. However, in an abstract by Alabef et al. (2023), an individual with motor delay, early life respiratory crises, and bulbar weakness was reported to be compound heterozygous for this variant and an unspecified null allele.; Not observed at significant frequency in large population cohorts (gnomAD); In silico analysis supports that this missense variant has a deleterious effect on protein structure/function; This variant is associated with the following publications: (PMID: Alabaf2023[casereport])

Labcorp Genetics (formerly Invitae), Labcorp
Classification: Uncertain significance for Lethal multiple pterygium syndrome. Last evaluated: 2022-06-27. Review status: criteria provided, single submitter. Criteria: Invitae Variant Classification Sherloc (09022015). Collection method: clinical testing. Allele origin: germline.
Comment: This sequence change replaces arginine, which is basic and polar, with histidine, which is basic and polar, at codon 396 of the CHRND protein (p.Arg396His). This variant is present in population databases (rs770837281, gnomAD 0.003%). This variant has not been reported in the literature in individuals affected with CHRND-related conditions. Advanced modeling of protein sequence and biophysical properties (such as structural, functional, and spatial information, amino acid conservation, physicochemical variation, residue mobility, and thermodynamic stability) performed at Invitae indicates that this missense variant is not expected to disrupt CHRND protein function. In summary, the available evidence is currently insufficient to determine the role of this variant in disease. Therefore, it has been classified as a Variant of Uncertain Significance.

NM_000751.3(CHRND):c.1187G>A (p.Arg396His)

Gene: CHRND (cholinergic receptor nicotinic delta subunit; plus strand). Cytogenetic location: 2q37.1.
Variant type: single nucleotide variant.
Coding change: c.1187G>A on transcript NM_000751.3 (MANE Select); coding-DNA position 1187, G replaced by A.
Protein change: p.Arg396His; replaces arginine 396 with histidine.
Molecular consequence: missense variant.
Genome position (GRCh38, 1-based): chr2:232,534,070, G>A. VCF-style: chr2-232534070-G-A. GRCh37 (hg19) VCF-style: chr2-233398780-G-A.
Other names: c.1142G>A, p.Arg381His (NM_001256657.2); c.605G>A, p.Arg202His (NM_001311195.2); c.884G>A, p.Arg295His (NM_001311196.2); c.1187G>A (NM_000751.2); short protein forms R396H, R202H, R295H, R381H.
Identifiers: ClinVar variation 1505943 (VCV001505943.9), dbSNP rs770837281, ClinGen allele CA2168282.